The following is an entry in ClinVar:

ClinVar aggregate classification (germline): Uncertain significance (1 of 4 stars; one submission).

Conditions:
Aortic aneurysm, familial thoracic 11, susceptibility to (AAT11). Identifiers: MedGen C4479235, MONDO:0044301, OMIM 617349.

Submission:

MVZ Medizinische Genetik Mainz
Classification: Uncertain significance for Aortic aneurysm, familial thoracic 11, susceptibility to. Last evaluated: 2024-08-13. Review status: criteria provided, single submitter. Criteria: UK Practice Guidelines For Variant Classification V4 01 2020. Collection method: clinical testing. Allele origin: germline. Inheritance: Autosomal dominant inheritance. Affected: yes. Observed: 1 variant allele.
Comment: ACMG Criteria: PP3_MOD,PM1_SUP,PM2_SUP

NM_012186.3(FOXE3):c.485G>A (p.Arg162Gln)

Genes: FOXE3 (forkhead box E3; plus strand), LINC01389 (long intergenic non-protein coding RNA 1389; minus strand). Cytogenetic location: 1p33.
Variant type: single nucleotide variant.
Coding change: c.485G>A on transcript NM_012186.3 (MANE Select); coding-DNA position 485, G replaced by A.
Protein change: p.Arg162Gln; replaces arginine 162 with glutamine.
Molecular consequence: missense variant.
Genome position (GRCh38, 1-based): chr1:47,416,800, G>A. VCF-style: chr1-47416800-G-A. GRCh37 (hg19) VCF-style: chr1-47882472-G-A.
Other names: short protein forms R162Q.
Identifiers: ClinVar variation 3338378 (VCV003338378.1).